The following is an entry in ClinVar:

NM_182972.3(IRF2BP2):c.1390A>G (p.Met464Val)

Gene: IRF2BP2 (interferon regulatory factor 2 binding protein 2; minus strand). Cytogenetic location: 1q42.3.
Variant type: single nucleotide variant.
Coding change: c.1390A>G on transcript NM_182972.3 (MANE Select); coding-DNA position 1390, A replaced by G.
Protein change: p.Met464Val; replaces methionine 464 with valine.
Molecular consequence: missense variant.
Genome position (GRCh38, 1-based): chr1:234,607,511, T>C on the plus strand (A>G on the coding strand, the complement: IRF2BP2 is on the minus strand). VCF-style: chr1-234607511-T-C. GRCh37 (hg19) VCF-style: chr1-234743257-T-C.
Other names: c.1342A>G, p.Met448Val (NM_001077397.1); c.1390A>G (NM_182972.2); short protein forms M448V, M464V.
Identifiers: ClinVar variation 1500329 (VCV001500329.8), dbSNP rs146614418, ClinGen allele CA1461569.

ClinVar aggregate classification (germline): Uncertain significance. Review status: criteria provided, multiple submitters, no conflicts (2 of 4 stars). 3 submissions from 3 submitters: Uncertain significance (3). Last evaluated 2025-03-28.

Conditions:
IRF2BP2-related disorder. Also called: IRF2BP2-related condition.

Allele frequency attached by ClinVar (database versions not stated): ExAC 0.00001; gnomAD 0.00001; gnomAD exomes 0.00001; TOPMed 0.00003; ESP Exome Variant Server 0.00015.
gnomAD v4.1: 14 of 1,614,024 alleles (0.00087%); highest among the groups gnomAD compares: Middle Eastern, 0.082%; no homozygotes.

Submissions (3):

Ambry Genetics
Classification: Uncertain significance. Last evaluated: 2025-03-28. Review status: criteria provided, single submitter. Criteria: Ambry Variant Classification Scheme 2023. Collection method: clinical testing. Allele origin: germline.

Labcorp Genetics (formerly Invitae), Labcorp
Classification: Uncertain significance. Last evaluated: 2024-10-22. Review status: criteria provided, single submitter. Criteria: Invitae Variant Classification Sherloc (09022015). Collection method: clinical testing. Allele origin: germline.
Comment: This sequence change replaces methionine, which is neutral and non-polar, with valine, which is neutral and non-polar, at codon 464 of the IRF2BP2 protein (p.Met464Val). This variant is present in population databases (rs146614418, gnomAD 0.002%). This variant has not been reported in the literature in individuals affected with IRF2BP2-related conditions. ClinVar contains an entry for this variant (Variation ID: 1500329). An algorithm developed to predict the effect of missense changes on protein structure and function outputs the following: PolyPhen-2: "Benign". The valine amino acid residue is found in multiple mammalian species, which suggests that this missense change does not adversely affect protein function. In summary, the available evidence is currently insufficient to determine the role of this variant in disease. Therefore, it has been classified as a Variant of Uncertain Significance.

PreventionGenetics, part of Exact Sciences
Classification: Uncertain significance for IRF2BP2-related condition. Last evaluated: 2022-12-29. Review status: criteria provided, single submitter. Criteria: ACMG Guidelines, 2015. Collection method: clinical testing. Allele origin: germline.
Comment: The IRF2BP2 c.1390A>G variant is predicted to result in the amino acid substitution p.Met464Val. To our knowledge, this variant has not been reported in the literature. This variant is reported in 0.0018% of alleles in individuals of European (Non-Finnish) descent in gnomAD. At this time, the clinical significance of this variant is uncertain due to the absence of conclusive functional and genetic evidence.